The following is an entry in ClinVar:

ClinVar aggregate classification (germline): Uncertain significance (1 of 4 stars; one submission).

Conditions:
Nephrolithiasis/nephrocalcinosis. Identifiers: MedGen CN580796.

Allele frequency attached by ClinVar (database versions not stated): gnomAD 0.00001.

Submission:

Ambry Genetics
Classification: Uncertain significance for Nephrolithiasis/nephrocalcinosis. Last evaluated: 2023-02-23. Review status: criteria provided, single submitter. Criteria: Ambry Variant Classification Scheme 2023. Collection method: clinical testing. Allele origin: germline.
Comment: The p.V833I variant (also known as c.2497G>A), located in coding exon 6 of the CASR gene, results from a G to A substitution at nucleotide position 2497. The valine at codon 833 is replaced by isoleucine, an amino acid with highly similar properties. This amino acid position is conserved. In addition, the in silico prediction for this alteration is inconclusive. Since supporting evidence is limited at this time, the clinical significance of this alteration remains unclear.

NM_000388.4(CASR):c.2497G>A (p.Val833Ile)

Gene: CASR (calcium sensing receptor; plus strand). Cytogenetic location: 3q21.1.
Variant type: single nucleotide variant.
Coding change: c.2497G>A on transcript NM_000388.4 (MANE Select); coding-DNA position 2497, G replaced by A.
Protein change: p.Val833Ile; replaces valine 833 with isoleucine.
Molecular consequence: missense variant.
Genome position (GRCh38, 1-based): chr3:122,284,451, G>A. VCF-style: chr3-122284451-G-A. GRCh37 (hg19) VCF-style: chr3-122003298-G-A.
Other names: c.2527G>A, p.Val843Ile (NM_001178065.2); short protein forms V833I, V843I.
Identifiers: ClinVar variation 2451468 (VCV002451468.2), dbSNP rs1187496835, ClinGen allele CA354160081.